The following is an entry in ClinVar:

NM_000138.5(FBN1):c.1884_1885del (p.Val629fs)

Gene: FBN1 (fibrillin 1; minus strand). Cytogenetic location: 15q21.1.
Variant type: Deletion.
Coding change: c.1884_1885del on transcript NM_000138.5 (MANE Select); coding-DNA positions 1884 to 1885, 2 bases deleted (CG; older notation c.1884_1885delCG).
Protein change: p.Val629fs; shifts the reading frame from valine 629.
Molecular consequence: frameshift variant.
Genome position (GRCh38, 1-based): chr15:48,505,100-48,505,101, CG deleted on the plus strand (CG on the coding strand, the reverse complement: FBN1 is on the minus strand); deleting any 2 consecutive bases within chr15:48,505,100-48,505,102 gives the same sequence; the c. name uses the placement nearest the transcript's 3' end. VCF-style (leftmost placement, unchanged base first): chr15-48505099-ACG-A. GRCh37 (hg19) VCF-style: chr15-48797296-ACG-A.
Other names: c.1884_1885del, p.Val629fs (NM_001406716.1); short protein forms V629fs.
Identifiers: ClinVar variation 4880712 (VCV004880712.2).
Genomic context (GRCh38, chr15:48,505,099, plus strand): 5'-CCATCCAGACCCACAGCCAGTCCAGGGAAGCATTCACATCTGTAGGAGCCATCAGTGTTG[ACG>A]CAACGCCCATTCATGCAGATCCCAGGGGTTTCACACTCGTTAATGTCTGTGGCAGAGAAA-3'

ClinVar aggregate classification (germline): Likely pathogenic (1 of 4 stars; one submission).

Conditions:
Marfan syndrome (MFS). Also called: FBN1-Related Marfan Syndrome; MARFAN SYNDROME, TYPE I; Marfan syndrome type 1; Marfan's syndrome; Marfan syndrome, classic. Identifiers: Orphanet 284963, Orphanet 558, MedGen C0024796, MONDO:0007947, OMIM 154700.

Submission:

Dasa
Classification: Likely pathogenic for Marfan syndrome. Last evaluated: 2024-10-15. Review status: criteria provided, single submitter. Criteria: DASA Assertion Criteria. Collection method: clinical testing. Allele origin: germline.
Comment: NM_000138.5(FBN1):c.1884_1885del (p.Val629Glnfs*3) is a frameshift variant in FBN1 predicted to alter the reading frame and introduce a premature termination codon and is predicted to result in an absent or altered protein product. Loss of function is an established disease mechanism for FBN1 (PMID: 17701892; PMID: 30286810; PMID: 21063442). Also, this variant is absent from population databases. Based on the currently available evidence, this variant is classified as likely pathogenic.

Literature cited by the submitters: PubMed 17701892; PubMed 30286810; PubMed 21063442.